The following is an entry in ClinVar:

ClinVar aggregate classification (germline): Uncertain significance (1 of 4 stars; one submission).

Conditions:
Menkes kinky-hair syndrome (MNK). Also called: Copper transport disease; Menkes Disease; Classic Menkes Disease. Identifiers: Orphanet 565, MedGen C0022716, MONDO:0010651, OMIM 309400.
Cutis laxa, X-linked (OHS). Also called: EDS IX; Occipital horn syndrome. Identifiers: Orphanet 198, MedGen C0268353, MONDO:0010572, OMIM 304150.
X-linked distal spinal muscular atrophy type 3. Also called: ATP7A-Related Distal Motor Neuropathy; SPINAL MUSCULAR ATROPHY, DISTAL, X-LINKED RECESSIVE; NEURONOPATHY, DISTAL HEREDITARY MOTOR, X-LINKED; NEUROPATHY, DISTAL HEREDITARY MOTOR, X-LINKED. Identifiers: Orphanet 139557, MedGen C1845359, MONDO:0010338, OMIM 300489.

Allele frequency attached by ClinVar (database versions not stated): TOPMed below 0.00001.

Submission:

Labcorp Genetics (formerly Invitae), Labcorp
Classification: Uncertain significance for X-linked distal spinal muscular atrophy type 3; Cutis laxa, X-linked; Menkes kinky-hair syndrome. Last evaluated: 2023-02-01. Review status: criteria provided, single submitter. Criteria: Invitae Variant Classification Sherloc (09022015). Collection method: clinical testing. Allele origin: germline.
Comment: In summary, the available evidence is currently insufficient to determine the role of this variant in disease. Therefore, it has been classified as a Variant of Uncertain Significance. Advanced modeling of protein sequence and biophysical properties (such as structural, functional, and spatial information, amino acid conservation, physicochemical variation, residue mobility, and thermodynamic stability) performed at Invitae indicates that this missense variant is not expected to disrupt ATP7A protein function. This variant has not been reported in the literature in individuals affected with ATP7A-related conditions. This variant is not present in population databases (gnomAD no frequency). This sequence change replaces proline, which is neutral and non-polar, with histidine, which is basic and polar, at codon 885 of the ATP7A protein (p.Pro885His).

NM_000052.7(ATP7A):c.2654C>A (p.Pro885His)

Gene: ATP7A (ATPase copper transporting alpha; plus strand). Cytogenetic location: Xq21.1.
Variant type: single nucleotide variant.
Coding change: c.2654C>A on transcript NM_000052.7 (MANE Select); coding-DNA position 2654, C replaced by A.
Protein change: p.Pro885His; replaces proline 885 with histidine.
Molecular consequence: missense variant.
Genome position (GRCh38, 1-based): chrX:78,020,271, C>A. VCF-style: chrX-78020271-C-A. GRCh37 (hg19) VCF-style: chrX-77275768-C-A.
Other names: c.2420C>A, p.Pro807His (NM_001282224.2); short protein forms P885H, P807H.
Identifiers: ClinVar variation 2942677 (VCV002942677.3), dbSNP rs2077895902, ClinGen allele CA413602399.